The following is an entry in ClinVar:

ClinVar aggregate classification (germline): Benign (1 of 4 stars; one submission).

Conditions:
Intellectual developmental disorder, autosomal dominant 52. Also called: Mental retardation, autosomal dominant 52; Intellectual disability, autosomal dominant 52. Identifiers: MedGen C4540478, MONDO:0030918, OMIM 617796.

Allele frequency attached by ClinVar (database versions not stated): 1000 Genomes Project 0.02177; 1000 Genomes Project 30x 0.02233; TOPMed 0.03112; gnomAD 0.03427; gnomAD exomes 0.04444.
gnomAD v4.1: 47,184 of 1,098,610 alleles (4.3%); highest among the groups gnomAD compares: Middle Eastern, 5.5%; 1,215 homozygotes.

Submission:

Molecular Genetics, Royal Melbourne Hospital
Classification: Benign for Intellectual developmental disorder, autosomal dominant 52. Last evaluated: 2023-05-04. Review status: criteria provided, single submitter. Criteria: ACMG Guidelines, 2015. Collection method: clinical testing. Allele origin: germline. Affected: yes.
Comment: European Non-Finnish population allele frequency is 4.608% (rs17377506, 3,227/68,010 alleles, 76 homozygotes in gnomAD v3.1). Based on the classification scheme RMH Modified ACMG/AMP Guidelines v1.2.1, this variant is classified as BENIGN. Following criteria are met: BA1

NM_018489.3(ASH1L):c.-99-4G>A

Gene: ASH1L (ASH1 like histone lysine methyltransferase; minus strand). Cytogenetic location: 1q22.
Variant type: single nucleotide variant.
Coding change: c.-99-4G>A on transcript NM_018489.3 (MANE Select); 4 bases into the intron before 99 bases upstream of the start codon, G replaced by A.
Molecular consequence: intron variant.
Genome position (GRCh38, 1-based): chr1:155,521,622, C>T on the plus strand (G>A on the coding strand, the complement: ASH1L is on the minus strand). VCF-style: chr1-155521622-C-T. GRCh37 (hg19) VCF-style: chr1-155491413-C-T.
Other names: c.-99-4G>A (NM_001366177.2).
Identifiers: ClinVar variation 3068669 (VCV003068669.1), dbSNP rs17377506, ClinGen allele CA30912776.